The following is an entry in ClinVar:

ClinVar aggregate classification (germline): Uncertain significance (1 of 4 stars; one submission).

Conditions:
Hereditary cancer-predisposing syndrome. Also called: Neoplastic Syndromes, Hereditary; Tumor predisposition; Hereditary Cancer Syndrome; Hereditary neoplastic syndrome. Identifiers: Orphanet 140162, MedGen C0027672, MeSH D009386, MONDO:0015356.

Submission:

Ambry Genetics
Classification: Uncertain significance for Hereditary cancer-predisposing syndrome. Last evaluated: 2025-10-16. Review status: criteria provided, single submitter. Criteria: Ambry Variant Classification Scheme 2023. Collection method: clinical testing. Allele origin: germline.
Comment: The p.S531C variant (also known as c.1592C>G), located in coding exon 14 of the MRE11A gene, results from a C to G substitution at nucleotide position 1592. The serine at codon 531 is replaced by cysteine, an amino acid with dissimilar properties. This amino acid position is conserved. In addition, this alteration is predicted to be tolerated by in silico analysis. Based on the available evidence, the clinical significance of this variant remains unclear.

NM_005591.4(MRE11):c.1592C>G (p.Ser531Cys)

Gene: MRE11 (MRE11 double strand break repair nuclease; minus strand). Cytogenetic location: 11q21.
Variant type: single nucleotide variant.
Coding change: c.1592C>G on transcript NM_005591.4 (MANE Select); coding-DNA position 1592, C replaced by G.
Protein change: p.Ser531Cys; replaces serine 531 with cysteine.
Molecular consequence: missense variant.
Genome position (GRCh38, 1-based): chr11:94,447,410, G>C on the plus strand (C>G on the coding strand, the complement: MRE11 is on the minus strand). VCF-style: chr11-94447410-G-C. GRCh37 (hg19) VCF-style: chr11-94180576-G-C.
Other names: c.1592C>G, p.Ser531Cys (NM_001330347.2, NM_001440460.1, NM_001440461.1 and 10 more transcripts); c.1529C>G, p.Ser510Cys (NM_001440467.1, NM_001440468.1, NM_001440469.1 and 2 more transcripts); c.1517C>G, p.Ser506Cys (NM_001440471.1, NM_001440472.1); c.1511C>G, p.Ser504Cys (NM_001440473.1, NM_001440477.1, NM_001440478.1); c.1454C>G, p.Ser485Cys (NM_001440479.1); c.1247C>G, p.Ser416Cys (NM_001440482.1, NM_001440483.1, NM_001440484.1); c.1124C>G, p.Ser375Cys (NM_001440485.1, NM_001440486.1, NM_001440487.1); short protein forms S375C, S416C, S504C, S510C, S531C, S485C, S506C.
Identifiers: ClinVar variation 4650690 (VCV004650690.1).